The following is an entry in ClinVar:

NM_000077.5(CDKN2A):c.94C>T (p.Leu32=)

Gene: CDKN2A (cyclin dependent kinase inhibitor 2A; minus strand). Cytogenetic location: 9p21.3.
Variant type: single nucleotide variant.
Coding change: c.94C>T on transcript NM_000077.5; coding-DNA position 94, C replaced by T.
Protein change: p.Leu32=; no amino-acid change (leucine 32 retained).
Molecular consequence: synonymous variant (on NM_000077.6). On other transcripts: intron variant (2).
Genome position (GRCh38, 1-based): chr9:21,974,734, G>A on the plus strand (C>T on the coding strand, the complement: CDKN2A is on the minus strand). VCF-style: chr9-21974734-G-A. GRCh37 (hg19) VCF-style: chr9-21974733-G-A.
Other names: c.94C>T, p.Leu32= (NM_000077.6, NM_001195132.2, NM_058197.5); c.-3-3526C>T (NM_001363763.2); c.194-3526C>T (NM_058195.4).
Identifiers: ClinVar variation 1155510 (VCV001155510.11), dbSNP rs745827714, ClinGen allele CA464100149.

ClinVar aggregate classification (germline): Benign/Likely benign. Review status: criteria provided, multiple submitters, no conflicts (2 of 4 stars). 3 submissions from 3 submitters: Benign (1); Likely benign (2). Last evaluated 2025-10-01.

Conditions:
Hereditary cancer-predisposing syndrome. Also called: Neoplastic Syndromes, Hereditary; Hereditary Cancer Syndrome; Tumor predisposition; Hereditary neoplastic syndrome. Identifiers: Orphanet 140162, MedGen C0027672, MeSH D009386, MONDO:0015356.
Familial melanoma. Also called: Hereditary melanoma; Hereditary cutaneous melanoma. Identifiers: Orphanet 618, MedGen C1512419, MONDO:0018961.
Melanoma-pancreatic cancer syndrome. Identifiers: Orphanet 404560, MedGen C1838547, MONDO:0011713, OMIM 606719. Disease mechanism: loss of function.

Submissions (3):

Labcorp Genetics (formerly Invitae), Labcorp
Classification: Likely benign for Familial melanoma. Last evaluated: 2025-10-01. Review status: criteria provided, single submitter. Criteria: Invitae Variant Classification Sherloc (09022015). Collection method: clinical testing. Allele origin: germline.

Myriad Genetics, Inc.
Classification: Benign for Melanoma-pancreatic cancer syndrome. Last evaluated: 2025-08-13. Review status: criteria provided, single submitter. Criteria: Myriad Autosomal Dominant, Autosomal Recessive and X-Linked Classification Criteria (2023). Collection method: clinical testing. Allele origin: unknown.
Comment: This variant is considered benign. This variant is a silent/synonymous amino acid change and it is not expected to impact splicing.

Ambry Genetics
Classification: Likely benign for Hereditary cancer-predisposing syndrome. Last evaluated: 2024-08-15. Review status: criteria provided, single submitter. Criteria: Ambry Variant Classification Scheme 2023. Collection method: clinical testing. Allele origin: germline.